The following is an entry in ClinVar:

ClinVar aggregate classification (germline): Uncertain significance (1 of 4 stars; one submission).

Conditions:
Retinoblastoma (RB1). Also called: RETINOBLASTOMA, SOMATIC. Identifiers: Orphanet 790, MedGen C0035335, MeSH D012175, MONDO:0008380, OMIM 180200, HP:0009919. Disease mechanism: loss of function. Inheritance: Both sporadic and heritable forms are tested..

Submission:

Labcorp Genetics (formerly Invitae), Labcorp
Classification: Uncertain significance for Retinoblastoma. Last evaluated: 2019-02-04. Review status: criteria provided, single submitter. Criteria: Invitae Variant Classification Sherloc (09022015). Collection method: clinical testing. Allele origin: germline.
Comment: In summary, the available evidence is currently insufficient to determine the role of this variant in disease. Therefore, it has been classified as a Variant of Uncertain Significance. Nucleotide substitutions within the consensus splice site are a relatively common cause of aberrant splicing (PMID: 17576681, 9536098). Algorithms developed to predict the effect of sequence changes on RNA splicing suggest that this variant may disrupt the consensus splice site, but this prediction has not been confirmed by published transcriptional studies. This variant has not been reported in the literature in individuals with RB1-related conditions. This variant is not present in population databases (ExAC no frequency). This sequence change falls in intron 17 of the RB1 gene. It does not directly change the encoded amino acid sequence of the RB1 protein, but it affects a nucleotide within the consensus splice site of the intron.

Literature cited by the submitters: PubMed 17576681; PubMed 9536098.

NM_000321.3(RB1):c.1695+4A>G

Gene: RB1 (RB transcriptional corepressor 1; plus strand). Cytogenetic location: 13q14.2.
Variant type: single nucleotide variant.
Coding change: c.1695+4A>G on transcript NM_000321.3 (MANE Select); 4 bases into the intron after coding-DNA position 1695, A replaced by G.
Molecular consequence: intron variant.
Genome position (GRCh38, 1-based): chr13:48,381,447, A>G. VCF-style: chr13-48381447-A-G. GRCh37 (hg19) VCF-style: chr13-48955583-A-G.
Identifiers: ClinVar variation 846297 (VCV000846297.7), dbSNP rs1455944671, ClinGen allele CA916081696.
Genomic context (GRCh38, chr13:48,381,447, plus strand): 5'-ATAAAACATTTAGAACGATGTGAACATCGAATCATGGAATCCCTTGCATGGCTCTCAGTA[A>G]GTAGCTAAATAATTGAAGAAATTCATTCATGTGCATATGGCTAACAAATTATTGTTAGTG-3'